The following is an entry in ClinVar:

ClinVar aggregate classification (germline): Conflicting classifications of pathogenicity. Review status: criteria provided, conflicting classifications (1 of 4 stars). 4 submissions from 3 submitters: Uncertain significance (1); Likely benign (2). 1 of the submissions does not count toward it. Last evaluated 2026-01-15.

Conditions:
LTBP2-related disorder. Also called: LTBP2-related condition; LTBP2-related disorders.
Glaucoma 3, primary congenital, D. Identifiers: Orphanet 98976, MedGen C2751316, MONDO:0013122, OMIM 613086.
Weill-Marchesani syndrome. Also called: WM Syndrome; Mesodermal dysmorphodystrophy congenital. Identifiers: Orphanet 3449, MedGen C0265313, MONDO:0018096.

Allele frequency attached by ClinVar (database versions not stated): gnomAD exomes 0.00050; ExAC 0.00060; gnomAD 0.00121; TOPMed 0.00185; ESP Exome Variant Server 0.00246; 1000 Genomes Project 0.00280; 1000 Genomes Project 30x 0.00312.
gnomAD v4.1: 524 of 1,613,866 alleles (0.032%); highest among the groups gnomAD compares: African/African-American, 0.62%; 2 homozygotes.

Submissions (4):

Labcorp Genetics (formerly Invitae), Labcorp
Classification: Likely benign. Last evaluated: 2026-01-15. Review status: criteria provided, single submitter. Criteria: Invitae Variant Classification Sherloc (09022015). Collection method: clinical testing. Allele origin: germline.

Illumina Laboratory Services, Illumina
Classification: Uncertain significance for Glaucoma 3, primary congenital, D. Last evaluated: 2018-01-12. Review status: criteria provided, single submitter. Criteria: ICSL Variant Classification Criteria 13 December 2019. Collection method: clinical testing. Allele origin: germline.

Illumina Laboratory Services, Illumina
Classification: Likely benign for Weill-Marchesani syndrome. Last evaluated: 2018-01-12. Review status: criteria provided, single submitter. Criteria: ICSL Variant Classification Criteria 13 December 2019. Collection method: clinical testing. Allele origin: germline.
Comment: This variant was observed in the ICSL laboratory as part of a predisposition screen in an ostensibly healthy population. It had not been previously curated by ICSL or reported in the Human Gene Mutation Database (HGMD: prior to June 1st, 2018), and was therefore a candidate for classification through an automated scoring system. Utilizing variant allele frequency, disease prevalence and penetrance estimates, and inheritance mode, an automated score was calculated to assess if this variant is too frequent to cause the disease. Based on the score and internal cut-off values, a variant classified as likely benign is not then subjected to further curation. The score for this variant resulted in a classification of likely benign for this disease.

PreventionGenetics, part of Exact Sciences
Classification: Likely benign for LTBP2-related condition. Last evaluated: 2022-05-06. Review status: no assertion criteria provided. Collection method: clinical testing. Allele origin: germline. Not counted in ClinVar's aggregate classification.
Comment: This variant is classified as likely benign based on ACMG/AMP sequence variant interpretation guidelines (Richards et al. 2015 PMID: 25741868, with internal and published modifications).

NM_000428.3(LTBP2):c.4621G>A (p.Glu1541Lys)

Gene: LTBP2 (latent transforming growth factor beta binding protein 2; minus strand). Cytogenetic location: 14q24.3.
Variant type: single nucleotide variant.
Coding change: c.4621G>A on transcript NM_000428.3 (MANE Select); coding-DNA position 4621, G replaced by A.
Protein change: p.Glu1541Lys; replaces glutamic acid 1541 with lysine.
Molecular consequence: missense variant.
Genome position (GRCh38, 1-based): chr14:74,503,568, C>T on the plus strand (G>A on the coding strand, the complement: LTBP2 is on the minus strand). VCF-style: chr14-74503568-C-T. GRCh37 (hg19) VCF-style: chr14-74970271-C-T.
Other names: short protein forms E1541K.
Identifiers: ClinVar variation 314271 (VCV000314271.16), dbSNP rs143456909, ClinGen allele CA7268695.
Genomic context (GRCh38, chr14:74,503,568, plus strand): 5'-GGTCCAGGGTGAGCGGGGGGCTGCAGAAGCAGTGGAAGGAGCCCTCCGTGTTGACGCACT[C>T]GCCATTCTCACAGGCCAGGTCCTGGCACTCATCGTGATCTGGGGAGGCAGGAAAGGGTGG-3'
Protein context (NP_000419.1, residues 1531-1551): ECQDLACENG[Glu1541Lys]CVNTEGSFHC